The following is an entry in ClinVar:

ClinVar aggregate classification (germline): Uncertain significance (1 of 4 stars; one submission).

Conditions:
Familial thoracic aortic aneurysm and aortic dissection (TAAD). Also called: Thoracic aortic aneurysms and dissections. Identifiers: Orphanet 91387, MedGen C4707243, MONDO:0019625.

Allele frequency attached by ClinVar (database versions not stated): gnomAD exomes below 0.00001; gnomAD 0.00001.
gnomAD v4.1: 4 of 1,410,720 alleles (0.00028%); highest among the groups gnomAD compares: African/African-American, 0.0045%; no homozygotes.

Submission:

Ambry Genetics
Classification: Uncertain significance for Familial thoracic aortic aneurysm and aortic dissection. Last evaluated: 2025-05-24. Review status: criteria provided, single submitter. Criteria: Ambry Variant Classification Scheme 2023. Collection method: clinical testing. Allele origin: germline.
Comment: The p.Y47H variant (also known as c.139T>C), located in coding exon 1 of the SKI gene, results from a T to C substitution at nucleotide position 139. The tyrosine at codon 47 is replaced by histidine, an amino acid with similar properties. This amino acid position is not conserved on limited sequence alignment. In addition, this alteration is predicted to be tolerated by in silico analysis. Since supporting evidence is limited at this time, the clinical significance of this alteration remains unclear.

NM_003036.4(SKI):c.139T>C (p.Tyr47His)

Gene: SKI (SKI proto-oncogene; plus strand). Cytogenetic location: 1p36.33.
Variant type: single nucleotide variant.
Coding change: c.139T>C on transcript NM_003036.4 (MANE Select); coding-DNA position 139, T replaced by C.
Protein change: p.Tyr47His; replaces tyrosine 47 with histidine.
Molecular consequence: missense variant.
Genome position (GRCh38, 1-based): chr1:2,228,905, T>C. VCF-style: chr1-2228905-T-C. GRCh37 (hg19) VCF-style: chr1-2160344-T-C.
Other names: short protein forms Y47H.
Identifiers: ClinVar variation 1771746 (VCV001771746.4), dbSNP rs1303337266, ClinGen allele CA337952167.